The following is an entry in ClinVar:

ClinVar aggregate classification (germline): Uncertain significance (1 of 4 stars; one submission).

Allele frequency attached by ClinVar (database versions not stated): gnomAD 0.00001; gnomAD exomes below 0.00001.
gnomAD v4.1: 5 of 1,613,718 alleles (0.00031%); highest among the groups gnomAD compares: Non-Finnish European, 0.00025%; no homozygotes.

Submission:

Labcorp Genetics (formerly Invitae), Labcorp
Classification: Uncertain significance. Last evaluated: 2023-08-04. Review status: criteria provided, single submitter. Criteria: Invitae Variant Classification Sherloc (09022015). Collection method: clinical testing. Allele origin: germline.
Comment: In summary, the available evidence is currently insufficient to determine the role of this variant in disease. Therefore, it has been classified as a Variant of Uncertain Significance. Algorithms developed to predict the effect of sequence changes on RNA splicing suggest that this variant may disrupt the consensus splice site. Advanced modeling of protein sequence and biophysical properties (such as structural, functional, and spatial information, amino acid conservation, physicochemical variation, residue mobility, and thermodynamic stability) performed at Invitae indicates that this missense variant is not expected to disrupt ADGRV1 protein function. ClinVar contains an entry for this variant (Variation ID: 850614). This variant has not been reported in the literature in individuals affected with ADGRV1-related conditions. This sequence change replaces isoleucine, which is neutral and non-polar, with valine, which is neutral and non-polar, at codon 3901 of the ADGRV1 protein (p.Ile3901Val). This variant is present in population databases (no rsID available, gnomAD 0.0009%).

NM_032119.4(ADGRV1):c.11701A>G (p.Ile3901Val)

Gene: ADGRV1 (adhesion G protein-coupled receptor V1; plus strand). Cytogenetic location: 5q14.3.
Variant type: single nucleotide variant.
Coding change: c.11701A>G on transcript NM_032119.4 (MANE Select); coding-DNA position 11701, A replaced by G.
Protein change: p.Ile3901Val; replaces isoleucine 3901 with valine.
Molecular consequence: missense variant. On other transcripts: non-coding transcript variant (1).
Genome position (GRCh38, 1-based): chr5:90,756,574, A>G. VCF-style: chr5-90756574-A-G. GRCh37 (hg19) VCF-style: chr5-90052391-A-G.
Other names: short protein forms I3901V.
Identifiers: ClinVar variation 850614 (VCV000850614.9), dbSNP rs1192756356, ClinGen allele CA360369746.
Genomic context (GRCh38, chr5:90,756,574, plus strand): 5'-AACTCTGACTTCTCTACAGGACAGCCAAGTGTGCGGAGGCCCGGAATGGAAATAGCTGAG[A>G]TAATGATAGAAGAAAATGACGATCCCAGAGGAATTTTTATGTTTCATGTTACTAGAGTGA-3'
Protein context (NP_115495.3, residues 3891-3911): VRRPGMEIAE[Ile3901Val]MIEENDDPRG